The following is an entry in ClinVar:

ClinVar aggregate classification (germline): Likely pathogenic (1 of 4 stars; one submission).

Conditions:
Hyperphosphatasia with impaired intellectual development syndrome 2. Also called: Hyperphosphatasia with intellectual disability syndrome 2; GLYCOSYLPHOSPHATIDYLINOSITOL BIOSYNTHESIS DEFECT 6. Identifiers: Orphanet 247262, MedGen C3553637, MONDO:0013882, OMIM 614749.

Submission:

Labcorp Genetics (formerly Invitae), Labcorp
Classification: Likely pathogenic for Hyperphosphatasia with impaired intellectual development syndrome 2. Last evaluated: 2026-01-14. Review status: criteria provided, single submitter. Criteria: Invitae Variant Classification Sherloc (09022015). Collection method: clinical testing. Allele origin: germline.
Comment: This variant results in the deletion of part of exon 2 (c.511_511+1delinsTT) of the PIGO gene. It is expected to disrupt RNA splicing. Variants that disrupt the donor or acceptor splice site typically lead to a loss of protein function (PMID: 16199547), and loss-of-function variants in PIGO are known to be pathogenic (PMID: 22683086, 24417746). Information on the frequency of this variant in the gnomAD database is not available, as this variant may be reported differently in the database. This variant has not been reported in the literature in individuals affected with PIGO-related conditions. ClinVar contains an entry for this variant (Variation ID: 2122690). In summary, the currently available evidence indicates that the variant is pathogenic, but additional data are needed to prove that conclusively. Therefore, this variant has been classified as Likely Pathogenic.

Literature cited by the submitters: PubMed 16199547; PubMed 22683086; PubMed 24417746.

NM_032634.4(PIGO):c.511_511+1delinsTT

Gene: PIGO (phosphatidylinositol glycan anchor biosynthesis class O; minus strand). Cytogenetic location: 9p13.3.
Variant type: Indel.
Coding change: c.511_511+1delinsTT on transcript NM_032634.4 (MANE Select); coding-DNA position 511 through the canonical splice donor site of the intron after coding-DNA position 511, GG replaced by TT.
Molecular consequence: splice donor variant.
Genome position (GRCh38, 1-based): chr9:35,095,054-35,095,055, CC replaced by AA on the plus strand (GG replaced by TT on the coding strand, the reverse complement: PIGO is on the minus strand). VCF-style: chr9-35095054-CC-AA. GRCh37 (hg19) VCF-style: chr9-35095051-CC-AA.
Other names: c.511_511+1delinsTT (NM_152850.4, NM_001201484.2).
Identifiers: ClinVar variation 2122690 (VCV002122690.4), dbSNP rs2490475612, ClinGen allele CA2580080458.